The following is an entry in ClinVar:

NM_001365951.3(KIF1B):c.3767T>G (p.Phe1256Cys)

Gene: KIF1B (kinesin family member 1B; plus strand). Cytogenetic location: 1p36.22.
Variant type: single nucleotide variant.
Coding change: c.3767T>G on transcript NM_001365951.3 (MANE Select); coding-DNA position 3767, T replaced by G.
Protein change: p.Phe1256Cys; replaces phenylalanine 1256 with cysteine.
Molecular consequence: missense variant.
Genome position (GRCh38, 1-based): chr1:10,345,923, T>G. VCF-style: chr1-10345923-T-G. GRCh37 (hg19) VCF-style: chr1-10405981-T-G.
Other names: c.3767T>G, p.Phe1256Cys (NM_001365952.1); c.3629T>G, p.Phe1210Cys (NM_015074.3); short protein forms F1210C, F1256C.
Identifiers: ClinVar variation 3608339 (VCV003608339.3).
Genomic context (GRCh38, chr1:10,345,923, plus strand): 5'-ACACGATGAGCAAAACCAGCCTTGGCCAGAGCATGAGCAAGTATGACCTCCTGGTTTGGT[T>G]TGAGATCAGTGAACTGGAGCCTACAGGAGAGTAAGTCCAACTTAATAAATTTTTAAATAA-3'
Protein context (NP_001352880.1, residues 1246-1266): SMSKYDLLVW[Phe1256Cys]EISELEPTGE

ClinVar aggregate classification (germline): Uncertain significance. Review status: criteria provided, multiple submitters, no conflicts (2 of 4 stars). 2 submissions from 2 submitters: Uncertain significance (2). Last evaluated 2025-05-31.

Conditions:
Charcot-Marie-Tooth disease type 2. Also called: Charcot-Marie-Tooth type 2. Identifiers: Orphanet 64746, MedGen C0270914, MONDO:0018993.

gnomAD v4.1: 2 of 1,613,746 alleles (0.00012%); highest among the groups gnomAD compares: Admixed American, 0.0017%; no homozygotes.

Submissions (2):

Ambry Genetics
Classification: Uncertain significance. Last evaluated: 2025-05-31. Review status: criteria provided, single submitter. Criteria: Ambry Variant Classification Scheme 2023. Collection method: clinical testing. Allele origin: germline.
Comment: The p.F1210C variant (also known as c.3629T>G), located in coding exon 32 of the KIF1B gene, results from a T to G substitution at nucleotide position 3629. The phenylalanine at codon 1210 is replaced by cysteine, an amino acid with highly dissimilar properties. This amino acid position is conserved. In addition, this alteration is predicted to be deleterious by in silico analysis. Based on the available evidence, the clinical significance of this variant remains unclear.

Labcorp Genetics (formerly Invitae), Labcorp
Classification: Uncertain significance for Charcot-Marie-Tooth disease type 2. Last evaluated: 2024-10-27. Review status: criteria provided, single submitter. Criteria: Invitae Variant Classification Sherloc (09022015). Collection method: clinical testing. Allele origin: germline.
Comment: This sequence change replaces phenylalanine, which is neutral and non-polar, with cysteine, which is neutral and slightly polar, at codon 1210 of the KIF1B protein (p.Phe1210Cys). This variant is present in population databases (rs569181217, gnomAD 0.003%). This variant has not been reported in the literature in individuals affected with KIF1B-related conditions. An algorithm developed to predict the effect of missense changes on protein structure and function (PolyPhen-2) suggests that this variant is likely to be disruptive. In summary, the available evidence is currently insufficient to determine the role of this variant in disease. Therefore, it has been classified as a Variant of Uncertain Significance.